The following is an entry in ClinVar:

NM_001365480.1(CCDC88A):c.5276G>A (p.Arg1759Gln)

Gene: CCDC88A (coiled-coil domain containing 88A; minus strand). Cytogenetic location: 2p16.1.
Variant type: single nucleotide variant.
Coding change: c.5276G>A on transcript NM_001365480.1 (MANE Select); coding-DNA position 5276, G replaced by A.
Protein change: p.Arg1759Gln; replaces arginine 1759 with glutamine.
Molecular consequence: missense variant. On other transcripts: intron variant (1).
Genome position (GRCh38, 1-based): chr2:55,295,872, C>T on the plus strand (G>A on the coding strand, the complement: CCDC88A is on the minus strand). VCF-style: chr2-55295872-C-T. GRCh37 (hg19) VCF-style: chr2-55523008-C-T.
Other names: c.5273G>A, p.Arg1758Gln (NM_001135597.2); c.5192G>A, p.Arg1731Gln (NM_018084.5); c.5195+78G>A (NM_001254943.2); short protein forms R1731Q, R1758Q, R1759Q.
Identifiers: ClinVar variation 1953469 (VCV001953469.2), dbSNP rs149348311, ClinGen allele CA1665351.

ClinVar aggregate classification (germline): Uncertain significance (1 of 4 stars; one submission).

Allele frequency attached by ClinVar (database versions not stated): gnomAD exomes below 0.00001; ExAC 0.00002; gnomAD 0.00002; TOPMed 0.00002; ESP Exome Variant Server 0.00015.
gnomAD v4.1: 8 of 1,613,912 alleles (0.0005%); highest among the groups gnomAD compares: South Asian, 0.0011%; no homozygotes.

Submission:

Labcorp Genetics (formerly Invitae), Labcorp
Classification: Uncertain significance. Last evaluated: 2022-07-01. Review status: criteria provided, single submitter. Criteria: Invitae Variant Classification Sherloc (09022015). Collection method: clinical testing. Allele origin: germline.
Comment: This sequence change replaces arginine, which is basic and polar, with glutamine, which is neutral and polar, at codon 1758 of the CCDC88A protein (p.Arg1758Gln). This variant is present in population databases (rs149348311, gnomAD 0.003%). This variant has not been reported in the literature in individuals affected with CCDC88A-related conditions. Algorithms developed to predict the effect of missense changes on protein structure and function output the following: SIFT: "Tolerated"; PolyPhen-2: "Benign"; Align-GVGD: "Class C0". The glutamine amino acid residue is found in multiple mammalian species, which suggests that this missense change does not adversely affect protein function. In summary, the available evidence is currently insufficient to determine the role of this variant in disease. Therefore, it has been classified as a Variant of Uncertain Significance.